The following is an entry in ClinVar:

ClinVar aggregate classification (germline): Uncertain significance. Review status: criteria provided, multiple submitters, no conflicts (2 of 4 stars). 8 submissions from 7 submitters: Uncertain significance (7). 1 of the submissions does not count toward it. Last evaluated 2025-01-13.

Conditions:
Inborn genetic diseases. Identifiers: MedGen C0950123, MeSH D030342.
Usher syndrome type 1 (USH1). Also called: RETINITIS PIGMENTOSA AND CONGENITAL DEAFNESS. Identifiers: Orphanet 231169, Orphanet 886, MedGen C1568247, MONDO:0010168, OMIM 276900.
Autosomal recessive nonsyndromic hearing loss 12. Also called: DEAFNESS, AUTOSOMAL RECESSIVE 12. Identifiers: Orphanet 90636, MedGen C1832394, MONDO:0011067, OMIM 601386.
Usher syndrome type 1D (USH1D). Also called: USHER SYNDROME, TYPE ID. Identifiers: Orphanet 231169, Orphanet 886, MedGen C1832845, MONDO:0010984, OMIM 601067.

Allele frequency attached by ClinVar (database versions not stated): gnomAD exomes 0.00003 and 0.00004; gnomAD 0.00005 and 0.00006; TOPMed 0.00008.
gnomAD v4.1: 48 of 1,606,860 alleles (0.003%); highest among the groups gnomAD compares: Admixed American, 0.017%; no homozygotes.

Submissions (8):

Labcorp Genetics (formerly Invitae), Labcorp
Classification: Uncertain significance. Last evaluated: 2025-01-13. Review status: criteria provided, single submitter. Criteria: Invitae Variant Classification Sherloc (09022015). Collection method: clinical testing. Allele origin: germline.
Comment: This sequence change replaces arginine, which is basic and polar, with cysteine, which is neutral and slightly polar, at codon 2845 of the CDH23 protein (p.Arg2845Cys). This variant is present in population databases (rs727505254, gnomAD 0.01%). This variant has not been reported in the literature in individuals affected with CDH23-related conditions. ClinVar contains an entry for this variant (Variation ID: 179973). Invitae Evidence Modeling of protein sequence and biophysical properties (such as structural, functional, and spatial information, amino acid conservation, physicochemical variation, residue mobility, and thermodynamic stability) has been performed for this missense variant. However, the output from this modeling did not meet the statistical confidence thresholds required to predict the impact of this variant on CDH23 protein function. In summary, the available evidence is currently insufficient to determine the role of this variant in disease. Therefore, it has been classified as a Variant of Uncertain Significance.

Ambry Genetics
Classification: Uncertain significance for Inborn genetic diseases. Last evaluated: 2024-01-09. Review status: criteria provided, single submitter. Criteria: Ambry Variant Classification Scheme 2023. Collection method: clinical testing. Allele origin: germline.

GeneDx
Classification: Uncertain significance. Last evaluated: 2018-03-05. Review status: criteria provided, single submitter. Criteria: GeneDx Variant Classification (06012015). Collection method: clinical testing. Allele origin: germline. Affected: yes.
Comment: The R2845C variant in the CDH23 gene has not been published as a pathogenic variant, nor has it been reported as a benign variant to our knowledge. The variant was not observed in approximately 6,400 individuals of European and African American ancestry in the NHLBI Exome Sequencing Project, indicating it is not a common benign variant in these populations. R2845C is a non-conservative amino acid substitution, which is likely to impact secondary protein structure as these residues differ in polarity, charge, size and/or other properties. This substitution occurs at a position that is conserved in mammals, and in silico analysis predicts this variant is probably damaging to the protein structure/function. Therefore, based on the currently available information, it is unclear whether this variant is a pathogenic variant or a rare benign variant.

Illumina Laboratory Services, Illumina
Classification: Uncertain significance for Usher syndrome type 1D. Last evaluated: 2018-01-13. Review status: criteria provided, single submitter. Criteria: ICSL Variant Classification Criteria 13 December 2019. Collection method: clinical testing. Allele origin: germline.

Illumina Laboratory Services, Illumina
Classification: Uncertain significance for Autosomal recessive nonsyndromic hearing loss 12. Last evaluated: 2018-01-13. Review status: criteria provided, single submitter. Criteria: ICSL Variant Classification Criteria 13 December 2019. Collection method: clinical testing. Allele origin: germline.

ARUP Laboratories, Molecular Genetics and Genomics, ARUP Laboratories
Classification: Uncertain significance. Last evaluated: 2017-09-26. Review status: criteria provided, single submitter. Criteria: ARUP Molecular Germline Variant Investigation Process. Collection method: clinical testing. Allele origin: germline.
Comment: The p.Arg2845Cys variant (rs727505254) has not been reported in the medical literature, nor has it been previously identified in our laboratory. The p.Arg2845Cys variant is listed in the Genome Aggregation Database (gnomAD) browser with an overall allele frequency of 0.005% (identified in 13 out of 263,592 chromosomes), and is classified as a variant of uncertain significance in ClinVar (Variant ID: 179973). The arginine at codon 2845 is highly conserved considering 12 species up to zebrafish (Alamut software v2.10.0), and computational analyses suggest that this variant affects the structure/function of the CDH23 protein (SIFT: damaging, PolyPhen2: possibly damaging, MutationTaster: disease causing). Based on the available information, the clinical significance of the p.Arg2845Cys variant cannot be determined with certainty.

Laboratory for Molecular Medicine, Mass General Brigham Personalized Medicine
Classification: Uncertain significance. Last evaluated: 2014-09-09. Review status: criteria provided, single submitter. Criteria: LMM Criteria. Collection method: clinical testing. Allele origin: germline. Observed: 1 variant allele.
Comment: The Arg2845Cys variant in CDH23 has not been previously reported in individuals with hearing loss or in large population studies. Computational prediction tool s and conservation analyses do not provide strong support for or against an impa ct to the protein. In summary, the clinical significance of the Arg2845Cys varia nt is uncertain.

Natera, Inc.
Classification: Uncertain significance for Usher syndrome type 1. Last evaluated: 2020-04-17. Review status: no assertion criteria provided. Collection method: clinical testing. Allele origin: germline. Not counted in ClinVar's aggregate classification.

NM_022124.6(CDH23):c.8533C>T (p.Arg2845Cys)

Gene: CDH23 (cadherin related 23; plus strand). Cytogenetic location: 10q22.1.
Variant type: single nucleotide variant.
Coding change: c.8533C>T on transcript NM_022124.6 (MANE Select); coding-DNA position 8533, C replaced by T.
Protein change: p.Arg2845Cys; replaces arginine 2845 with cysteine.
Molecular consequence: missense variant.
Genome position (GRCh38, 1-based): chr10:71,807,740, C>T. VCF-style: chr10-71807740-C-T. GRCh37 (hg19) VCF-style: chr10-73567497-C-T.
Other names: c.1813C>T, p.Arg605Cys (NM_001171933.1, NM_001171934.1); short protein forms R2845C, R605C.
Identifiers: ClinVar variation 179973 (VCV000179973.21), dbSNP rs727505254, ClinGen allele CA185549.